The following is an entry in ClinVar:

ClinVar aggregate classification (germline): Likely pathogenic (0 of 4 stars; one submission).

Conditions:
Familial hypercholesterolemia. Also called: Familial hypercholesterolemias; Familial hypercholesterolaemia. Identifiers: MedGen C0020445, MONDO:0005439.

Submission:

Research Laboratories, P. D. Hinduja Hospital & MRC
Classification: Likely pathogenic for Familial hypercholesterolemia. Last evaluated: 2026-06-08. Review status: no assertion criteria provided. Collection method: research. Allele origin: germline. Affected: yes. Observed: 1 variant allele, 1 heterozygote.
Comment: This variant was identified as part of the ICMR-funded project (Ref No. 2020-3881). A frameshift deletion in PIKFYVE (NM_015040.4), c.2081del, predicted to cause a frameshift beginning at codon 694 and resulting in a premature termination codon downstream To our knowledge, functional studies specific to this variant have not been reported. This variant has not been described in individuals with Familial Hypercholesterolemia (FH) in the literature; however, the PIKFYVE gene is associated with lipid metabolism according to the LIPID MAPS Proteome Database (LMPD). Computational predictions using MutationTaster and PolyPhen-2 suggest that this variant is likely deleterious and possibly damaging to protein function (GRCh38).

NM_015040.4(PIKFYVE):c.2081del (p.Lys694fs)

Gene: PIKFYVE (phosphoinositide kinase, FYVE-type zinc finger containing; plus strand). Cytogenetic location: 2q34.
Variant type: Deletion.
Coding change: c.2081del on transcript NM_015040.4 (MANE Select); coding-DNA position 2081, one base deleted (A; older notation c.2081delA).
Protein change: p.Lys694fs; shifts the reading frame from lysine 694.
Molecular consequence: frameshift variant.
Genome position (GRCh38, 1-based): chr2:208,317,940, A deleted; the last of 5 consecutive A bases (chr2:208,317,936-208,317,940); deleting any one gives the same sequence. VCF-style (leftmost placement, unchanged base first): chr2-208317935-TA-T. GRCh37 (hg19) VCF-style: chr2-209182659-TA-T.
Other names: short protein forms K694fs.
Identifiers: ClinVar variation 4857184 (VCV004857184.1).